The following is an entry in ClinVar:

ClinVar aggregate classification (germline): Uncertain significance (1 of 4 stars; one submission).

Conditions:
RYR2-related disorder. Also called: RYR2-related condition.

Submission:

PreventionGenetics, part of Exact Sciences
Classification: Uncertain significance for RYR2-related condition. Last evaluated: 2023-08-10. Review status: criteria provided, single submitter. Criteria: ACMG Guidelines, 2015. Collection method: clinical testing. Allele origin: germline.
Comment: The RYR2 c.12099A>G variant is not predicted to result in an amino acid change (p.=). This variant is predicted to alter splicing based on available splicing prediction programs (Alamut Visual Plus v1.6.1). However, the use of computer prediction programs is not equivalent to functional evidence. To our knowledge, this variant has not been reported in the literature or in a large population database, indicating this variant is rare. At this time, the clinical significance of this variant is uncertain due to the absence of conclusive functional and genetic evidence.

NM_001035.3(RYR2):c.12099A>G (p.Lys4033=)

Gene: RYR2 (ryanodine receptor 2; plus strand). Cytogenetic location: 1q43.
Variant type: single nucleotide variant.
Coding change: c.12099A>G on transcript NM_001035.3 (MANE Select); coding-DNA position 12099, A replaced by G.
Protein change: p.Lys4033=; no amino-acid change (lysine 4033 retained).
Molecular consequence: synonymous variant.
Genome position (GRCh38, 1-based): chr1:237,783,811, A>G. VCF-style: chr1-237783811-A-G. GRCh37 (hg19) VCF-style: chr1-237947111-A-G.
Identifiers: ClinVar variation 2631325 (VCV002631325.1), dbSNP rs2527775257, ClinGen allele CA424031874.